The following is an entry in ClinVar:

NM_000037.4(ANK1):c.1979A>G (p.Asn660Ser)

Gene: ANK1 (ankyrin 1; minus strand). Cytogenetic location: 8p11.21.
Variant type: single nucleotide variant.
Coding change: c.1979A>G on transcript NM_000037.4 (MANE Select); coding-DNA position 1979, A replaced by G.
Protein change: p.Asn660Ser; replaces asparagine 660 with serine.
Molecular consequence: missense variant.
Genome position (GRCh38, 1-based): chr8:41,708,797, T>C on the plus strand (A>G on the coding strand, the complement: ANK1 is on the minus strand). VCF-style: chr8-41708797-T-C. GRCh37 (hg19) VCF-style: chr8-41566315-T-C.
Other names: c.2078A>G, p.Asn693Ser (NM_001142446.2); c.1979A>G, p.Asn660Ser (NM_020475.3, NM_020476.3, NM_020477.3); short protein forms N693S, N660S.
Identifiers: ClinVar variation 2195014 (VCV002195014.4), dbSNP rs759504756, ClinGen allele CA4728417.

ClinVar aggregate classification (germline): Uncertain significance (1 of 4 stars; one submission).

Allele frequency attached by ClinVar (database versions not stated): TOPMed below 0.00001; ExAC 0.00001; gnomAD 0.00001; gnomAD exomes 0.00001; 1000 Genomes Project 30x 0.00031.
gnomAD v4.1: 15 of 1,614,014 alleles (0.00093%); highest among the groups gnomAD compares: East Asian, 0.016%; no homozygotes.

Submission:

Labcorp Genetics (formerly Invitae), Labcorp
Classification: Uncertain significance. Last evaluated: 2022-02-28. Review status: criteria provided, single submitter. Criteria: Invitae Variant Classification Sherloc (09022015). Collection method: clinical testing. Allele origin: germline.
Comment: In summary, the available evidence is currently insufficient to determine the role of this variant in disease. Therefore, it has been classified as a Variant of Uncertain Significance. Algorithms developed to predict the effect of missense changes on protein structure and function are either unavailable or do not agree on the potential impact of this missense change (SIFT: "Deleterious"; PolyPhen-2: "Benign"; Align-GVGD: "Class C45"). This variant has not been reported in the literature in individuals affected with ANK1-related conditions. This variant is present in population databases (rs759504756, gnomAD 0.003%). This sequence change replaces asparagine, which is neutral and polar, with serine, which is neutral and polar, at codon 660 of the ANK1 protein (p.Asn660Ser).